The following is an entry in ClinVar:

ClinVar aggregate classification (germline): Uncertain significance. Review status: criteria provided, multiple submitters, no conflicts (2 of 4 stars). 2 submissions from 2 submitters: Uncertain significance (2). Last evaluated 2025-08-06.

Conditions:
Leber congenital amaurosis 1 (LCA1). Also called: Congenital absence of the rods and cones; Leber's congenital tapetoretinal degeneration; Leber's congenital tapetoretinal dysplasia; RETINAL BLINDNESS, CONGENITAL; AMAUROSIS CONGENITA OF LEBER I. Identifiers: Orphanet 65, MedGen C2931258, MONDO:0008764, OMIM 204000.
Cone-rod dystrophy 6 (CORD6). Also called: Cone dystrophy progressive; RETINAL CONE DYSTROPHY 2. Identifiers: Orphanet 1872, MedGen C1866293, MONDO:0011143, OMIM 601777.

Allele frequency attached by ClinVar (database versions not stated): ExAC 0.00001; TOPMed 0.00001; gnomAD 0.00002.

Submissions (2):

Labcorp Genetics (formerly Invitae), Labcorp
Classification: Uncertain significance for Leber congenital amaurosis 1; Cone-rod dystrophy 6. Last evaluated: 2025-08-06. Review status: criteria provided, single submitter. Criteria: Invitae Variant Classification Sherloc (09022015). Collection method: clinical testing. Allele origin: germline.
Comment: This sequence change replaces arginine, which is basic and polar, with tryptophan, which is neutral and slightly polar, at codon 822 of the GUCY2D protein (p.Arg822Trp). This variant is present in population databases (rs771406749, gnomAD 0.0009%). This variant has not been reported in the literature in individuals affected with GUCY2D-related conditions. ClinVar contains an entry for this variant (Variation ID: 2165339). Invitae Evidence Modeling of protein sequence and biophysical properties (such as structural, functional, and spatial information, amino acid conservation, physicochemical variation, residue mobility, and thermodynamic stability) indicates that this missense variant is not expected to disrupt GUCY2D protein function with a negative predictive value of 80%. In summary, the available evidence is currently insufficient to determine the role of this variant in disease. Therefore, it has been classified as a Variant of Uncertain Significance.

Blueprint Genetics
Classification: Uncertain significance. Last evaluated: 2021-10-16. Review status: criteria provided, single submitter. Criteria: ACMG Guidelines, 2015. Collection method: clinical testing. Allele origin: germline.

NM_000180.4(GUCY2D):c.2464C>T (p.Arg822Trp)

Gene: GUCY2D (guanylate cyclase 2D, retinal; plus strand). Cytogenetic location: 17p13.1.
Variant type: single nucleotide variant.
Coding change: c.2464C>T on transcript NM_000180.4 (MANE Select); coding-DNA position 2464, C replaced by T.
Protein change: p.Arg822Trp; replaces arginine 822 with tryptophan.
Molecular consequence: missense variant.
Genome position (GRCh38, 1-based): chr17:8,014,652, C>T. VCF-style: chr17-8014652-C-T. GRCh37 (hg19) VCF-style: chr17-7917970-C-T.
Other names: short protein forms R822W.
Identifiers: ClinVar variation 2165339 (VCV002165339.3), dbSNP rs771406749, ClinGen allele CA8366138.